The following is an entry in ClinVar:

ClinVar aggregate classification (germline): Conflicting classifications of pathogenicity. Review status: criteria provided, conflicting classifications (1 of 4 stars). 6 submissions from 6 submitters: Uncertain significance (5); Likely benign (1). Last evaluated 2025-11-17.

Conditions:
Hereditary cancer-predisposing syndrome. Also called: Neoplastic Syndromes, Hereditary; Tumor predisposition; Hereditary Cancer Syndrome; Hereditary neoplastic syndrome. Identifiers: Orphanet 140162, MedGen C0027672, MeSH D009386, MONDO:0015356.
Familial adenomatous polyposis 2. Also called: Adenomas, multiple colorectal; COLORECTAL ADENOMATOUS POLYPOSIS, AUTOSOMAL RECESSIVE; ADENOMAS, MULTIPLE COLORECTAL, AUTOSOMAL RECESSIVE; MYH-associated polyposis; MUTYH Polyposis; FAP type 2. Identifiers: Orphanet 220460, Orphanet 247798, MedGen C3272841, MONDO:0012041, OMIM 608456.

Allele frequency attached by ClinVar (database versions not stated): gnomAD exomes below 0.00001; TOPMed 0.00001.

Submissions (6):

Labcorp Genetics (formerly Invitae), Labcorp
Classification: Uncertain significance for Familial adenomatous polyposis 2. Last evaluated: 2025-11-17. Review status: criteria provided, single submitter. Criteria: Invitae Variant Classification Sherloc (09022015). Collection method: clinical testing. Allele origin: germline.
Comment: This sequence change replaces methionine, which is neutral and non-polar, with valine, which is neutral and non-polar, at codon 524 of the MUTYH protein (p.Met524Val). This variant is present in population databases (rs587780080, gnomAD 0.0009%). This variant has not been reported in the literature in individuals affected with MUTYH-related conditions. ClinVar contains an entry for this variant (Variation ID: 188079). An algorithm developed to predict the effect of missense changes on protein structure and function (PolyPhen-2) suggests that this variant is likely to be tolerated. In summary, the available evidence is currently insufficient to determine the role of this variant in disease. Therefore, it has been classified as a Variant of Uncertain Significance.

Center for Genomic Medicine, Rigshospitalet, Copenhagen University Hospital
Classification: Uncertain significance. Last evaluated: 2025-03-04. Review status: criteria provided, single submitter. Criteria: ACMG Guidelines, 2015. Collection method: clinical testing. Allele origin: germline.

All of Us Research Program, National Institutes of Health
Classification: Uncertain significance for Familial adenomatous polyposis 2. Last evaluated: 2024-07-20. Review status: criteria provided, single submitter. Criteria: ACMG Guidelines, 2015. Collection method: clinical testing. Allele origin: germline. Inheritance: Autosomal recessive inheritance. Observed: 2 variant alleles, 2 heterozygotes.
Comment: This missense variant replaces methionine with valine at codon 524 of the MUTYH protein. Computational prediction suggests that this variant may not impact protein structure and function (internally defined REVEL score threshold <= 0.5, PMID: 27666373). To our knowledge, functional studies have not been reported for this variant. This variant has not been reported in individuals affected with MUTYH-related disorders in the literature. This variant has been identified in 1/251488 chromosomes in the general population by the Genome Aggregation Database (gnomAD). The available evidence is insufficient to determine the role of this variant in disease conclusively. Therefore, this variant is classified as a Variant of Uncertain Significance.

This study involves interpretation of variants in research participants for the purpose of population health screening. Participant phenotype was not available at the time of variant classification. Additional details can be found in publication PMID: 35346344, PMCID: PMC8962531

Ambry Genetics
Classification: Likely benign for Hereditary cancer-predisposing syndrome. Last evaluated: 2024-01-05. Review status: criteria provided, single submitter. Criteria: Ambry Variant Classification Scheme 2023. Collection method: clinical testing. Allele origin: germline.

Color Diagnostics, LLC DBA Color Health
Classification: Uncertain significance for Hereditary cancer-predisposing syndrome. Last evaluated: 2023-09-21. Review status: criteria provided, single submitter. Criteria: ACMG Guidelines, 2015. Collection method: clinical testing. Allele origin: germline.
Comment: This missense variant replaces methionine with valine at codon 524 of the MUTYH protein. Computational prediction suggests that this variant may not impact protein structure and function (internally defined REVEL score threshold <= 0.5, PMID: 27666373). To our knowledge, functional studies have not been reported for this variant. This variant has not been reported in individuals affected with MUTYH-related disorders in the literature. This variant has been identified in 1/251488 chromosomes in the general population by the Genome Aggregation Database (gnomAD). The available evidence is insufficient to determine the role of this variant in disease conclusively. Therefore, this variant is classified as a Variant of Uncertain Significance.

GeneDx
Classification: Uncertain significance. Last evaluated: 2020-05-19. Review status: criteria provided, single submitter. Criteria: GeneDx Variant Classification Process June 2021. Collection method: clinical testing. Allele origin: germline. Affected: yes.
Comment: Not observed at a significant frequency in large population cohorts (Lek 2016); In silico analysis supports that this missense variant does not alter protein structure/function; Has not been previously published as pathogenic or benign to our knowledge

NM_001048174.2(MUTYH):c.1486A>G (p.Met496Val)

Gene: MUTYH (mutY DNA glycosylase; minus strand). Cytogenetic location: 1p34.1.
Variant type: single nucleotide variant.
Coding change: c.1486A>G on transcript NM_001048174.2 (MANE Select); coding-DNA position 1486, A replaced by G.
Protein change: p.Met496Val; replaces methionine 496 with valine.
Molecular consequence: missense variant. On other transcripts: non-coding transcript variant (2).
Genome position (GRCh38, 1-based): chr1:45,329,386, T>C on the plus strand (A>G on the coding strand, the complement: MUTYH is on the minus strand). VCF-style: chr1-45329386-T-C. GRCh37 (hg19) VCF-style: chr1-45795058-T-C.
Other names: c.1486A>G, p.Met496Val (NM_001048171.2, NM_001048173.2, NM_001293195.2); c.1489A>G, p.Met497Val (NM_001048172.2); c.1570A>G, p.Met524Val (NM_001128425.2); c.1531A>G, p.Met511Val (NM_001293190.2); c.1519A>G, p.Met507Val (NM_001293191.2); c.1210A>G, p.Met404Val (NM_001293192.2, NM_001293196.2); c.1141A>G, p.Met381Val (NM_001350650.2, NM_001350651.2); c.1561A>G, p.Met521Val (NM_012222.3); short protein forms M524V, M507V, M521V, M497V, M404V, M496V, M381V, M511V.
Identifiers: ClinVar variation 188079 (VCV000188079.25), dbSNP rs587780080, ClinGen allele CA013059.